The following is an entry in ClinVar:

NM_002609.4(PDGFRB):c.2328T>A (p.Asp776Glu)

Gene: PDGFRB (platelet derived growth factor receptor beta; minus strand). Cytogenetic location: 5q32.
Variant type: single nucleotide variant.
Coding change: c.2328T>A on transcript NM_002609.4 (MANE Select); coding-DNA position 2328, T replaced by A.
Protein change: p.Asp776Glu; replaces aspartic acid 776 with glutamic acid.
Molecular consequence: missense variant.
Genome position (GRCh38, 1-based): chr5:150,121,896, A>T on the plus strand (T>A on the coding strand, the complement: PDGFRB is on the minus strand). VCF-style: chr5-150121896-A-T. GRCh37 (hg19) VCF-style: chr5-149501459-A-T.
Other names: c.2136T>A, p.Asp712Glu (NM_001355016.2); c.1845T>A, p.Asp615Glu (NM_001355017.2); short protein forms D615E, D776E, D712E.
Identifiers: ClinVar variation 2089915 (VCV002089915.4), dbSNP rs2481190276, ClinGen allele CA361761630.

ClinVar aggregate classification (germline): Uncertain significance (1 of 4 stars; one submission).

Conditions:
Infantile myofibromatosis (IMF). Also called: Congenital generalized fibromatosis. Identifiers: Orphanet 2591, MedGen C0432284, MONDO:0016824.
Skeletal overgrowth-craniofacial dysmorphism-hyperelastic skin-white matter lesions syndrome. Also called: SKELETAL OVERGROWTH WITH FACIAL DYSMORPHISM, HYPERELASTIC SKIN, WHITE MATTER LESIONS, AND NEUROLOGIC DETERIORATION; Kosaki overgrowth syndrome. Identifiers: Orphanet 477831, MedGen C4225270, MONDO:0014704, OMIM 616592.
Basal ganglia calcification, idiopathic, 4 (PFBC4). Also called: Familial Idiopathic Basal Ganglia Calcification 4; PRIMARY FAMILIAL BRAIN CALCIFICATION 4, AUTOSOMAL DOMINANT. Identifiers: Orphanet 1980, MedGen C3554321, MONDO:0014004, OMIM 615007.
Acroosteolysis-keloid-like lesions-premature aging syndrome. Also called: Premature aging syndrome, Penttinen type; Prematurely aged appearance, delayed bone maturation, acro-osteolysis, and brachydactyly; Progeroid syndrome, Penttinen type. Identifiers: Orphanet 363665, MedGen C1866182, MONDO:0011150, OMIM 601812.

Submission:

Labcorp Genetics (formerly Invitae), Labcorp
Classification: Uncertain significance for Basal ganglia calcification, idiopathic, 4; Skeletal overgrowth-craniofacial dysmorphism-hyperelastic skin-white matter lesions syndrome; Infantile myofibromatosis; Acroosteolysis-keloid-like lesions-premature aging syndrome. Last evaluated: 2022-01-26. Review status: criteria provided, single submitter. Criteria: Invitae Variant Classification Sherloc (09022015). Collection method: clinical testing. Allele origin: germline.
Comment: This sequence change replaces aspartic acid, which is acidic and polar, with glutamic acid, which is acidic and polar, at codon 776 of the PDGFRB protein (p.Asp776Glu). This variant is not present in population databases (gnomAD no frequency). This variant has not been reported in the literature in individuals affected with PDGFRB-related conditions. Advanced modeling of protein sequence and biophysical properties (such as structural, functional, and spatial information, amino acid conservation, physicochemical variation, residue mobility, and thermodynamic stability) performed at Invitae indicates that this missense variant is not expected to disrupt PDGFRB protein function. In summary, the available evidence is currently insufficient to determine the role of this variant in disease. Therefore, it has been classified as a Variant of Uncertain Significance.